The following is an entry in ClinVar:

NM_138370.3(PKDCC):c.332G>T (p.Gly111Val)

Gene: PKDCC (protein kinase domain containing, cytoplasmic; plus strand). Cytogenetic location: 2p21.
Variant type: single nucleotide variant.
Coding change: c.332G>T on transcript NM_138370.3 (MANE Select); coding-DNA position 332, G replaced by T.
Protein change: p.Gly111Val; replaces glycine 111 with valine.
Molecular consequence: missense variant.
Genome position (GRCh38, 1-based): chr2:42,048,531, G>T. VCF-style: chr2-42048531-G-T. GRCh37 (hg19) VCF-style: chr2-42275671-G-T.
Other names: c.332G>T (NM_138370.2); short protein forms G111V.
Identifiers: ClinVar variation 1477365 (VCV001477365.6), dbSNP rs769233885, ClinGen allele CA1627894.

ClinVar aggregate classification (germline): Uncertain significance. Review status: criteria provided, multiple submitters, no conflicts (2 of 4 stars). 3 submissions from 3 submitters: Uncertain significance (3). Last evaluated 2024-06-26.

Conditions:
Inborn genetic diseases. Identifiers: MedGen C0950123, MeSH D030342.

Allele frequency attached by ClinVar (database versions not stated): gnomAD 0.00020 and 0.00023; TOPMed 0.00026; 1000 Genomes Project 30x 0.00047; gnomAD exomes 0.00088.
gnomAD v4.1: 326 of 1,225,634 alleles (0.027%); highest among the groups gnomAD compares: Middle Eastern, 0.65%; 1 homozygote.

Submissions (3):

Ambry Genetics
Classification: Uncertain significance for Inborn genetic diseases. Last evaluated: 2024-06-26. Review status: criteria provided, single submitter. Criteria: Ambry Variant Classification Scheme 2023. Collection method: clinical testing. Allele origin: germline.

Labcorp Genetics (formerly Invitae), Labcorp
Classification: Uncertain significance. Last evaluated: 2022-07-19. Review status: criteria provided, single submitter. Criteria: Invitae Variant Classification Sherloc (09022015). Collection method: clinical testing. Allele origin: germline.
Comment: This sequence change replaces glycine, which is neutral and non-polar, with valine, which is neutral and non-polar, at codon 111 of the PKDCC protein (p.Gly111Val). This variant is present in population databases (rs769233885, gnomAD 0.3%). This variant has not been reported in the literature in individuals affected with PKDCC-related conditions. ClinVar contains an entry for this variant (Variation ID: 1477365). Algorithms developed to predict the effect of missense changes on protein structure and function are either unavailable or do not agree on the potential impact of this missense change (SIFT: "Deleterious"; PolyPhen-2: "Benign"; Align-GVGD: "Class C0"). In summary, the available evidence is currently insufficient to determine the role of this variant in disease. Therefore, it has been classified as a Variant of Uncertain Significance.

Breakthrough Genomics
Classification: Uncertain significance. Review status: criteria provided, single submitter. Criteria: ACMG Guidelines, 2015. Collection method: not provided. Allele origin: germline. Inheritance: Autosomal recessive inheritance. Affected: yes.